The following is an entry in ClinVar:

ClinVar aggregate classification (germline): Uncertain significance (1 of 4 stars; one submission).

Conditions:
Hereditary cancer-predisposing syndrome. Also called: Tumor predisposition; Hereditary neoplastic syndrome; Neoplastic Syndromes, Hereditary; Hereditary Cancer Syndrome. Identifiers: Orphanet 140162, MedGen C0027672, MeSH D009386, MONDO:0015356.

Submission:

Ambry Genetics
Classification: Uncertain significance for Hereditary cancer-predisposing syndrome. Last evaluated: 2019-11-22. Review status: criteria provided, single submitter. Criteria: Ambry Variant Classification Scheme 2023. Collection method: clinical testing. Allele origin: germline.
Comment: The p.P498L variant (also known as c.1493C>T), located in coding exon 11 of the NBN gene, results from a C to T substitution at nucleotide position 1493. The proline at codon 498 is replaced by leucine, an amino acid with similar properties. This amino acid position is poorly conserved in available vertebrate species. In addition, this alteration is predicted to be tolerated by in silico analysis. Since supporting evidence is limited at this time, the clinical significance of this alteration remains unclear.

NM_002485.5(NBN):c.1493C>T (p.Pro498Leu)

Gene: NBN (nibrin; minus strand). Cytogenetic location: 8q21.3.
Variant type: single nucleotide variant.
Coding change: c.1493C>T on transcript NM_002485.5 (MANE Select); coding-DNA position 1493, C replaced by T.
Protein change: p.Pro498Leu; replaces proline 498 with leucine.
Molecular consequence: missense variant.
Genome position (GRCh38, 1-based): chr8:89,953,596, G>A on the plus strand (C>T on the coding strand, the complement: NBN is on the minus strand). VCF-style: chr8-89953596-G-A. GRCh37 (hg19) VCF-style: chr8-90965824-G-A.
Other names: c.1247C>T, p.Pro416Leu (NM_001024688.3); short protein forms P416L, P498L.
Identifiers: ClinVar variation 819363 (VCV000819363.4), dbSNP rs1586054351, ClinGen allele CA371655745.
Genomic context (GRCh38, chr8:89,953,596, plus strand): 5'-GAGTTTGTGTCCACAGGCTCATTCTCAGATAGATGCTGCTCCTTATTTTTCCACAATGAG[G>A]GTGTAGCAGGTTGTGTTTGTTCTAAAAGAGAACAAGACGTTTCTATTCTTGCTGATTTGC-3'
Protein context (NP_002476.2, residues 488-508): SLLEQTQPAT[Pro498Leu]SLWKNKEQHL